The following is an entry in ClinVar:

ClinVar aggregate classification (germline): Uncertain significance (1 of 4 stars; one submission).

Submission:

Labcorp Genetics (formerly Invitae), Labcorp
Classification: Uncertain significance. Last evaluated: 2023-07-17. Review status: criteria provided, single submitter. Criteria: Invitae Variant Classification Sherloc (09022015). Collection method: clinical testing. Allele origin: germline.
Comment: This sequence change replaces glutamine, which is neutral and polar, with arginine, which is basic and polar, at codon 1924 of the CAD protein (p.Gln1924Arg). In summary, the available evidence is currently insufficient to determine the role of this variant in disease. Therefore, it has been classified as a Variant of Uncertain Significance. An algorithm developed to predict the effect of missense changes on protein structure and function (PolyPhen-2) suggests that this variant is likely to be tolerated. ClinVar contains an entry for this variant (Variation ID: 1514201). This variant has not been reported in the literature in individuals affected with CAD-related conditions. This variant is not present in population databases (gnomAD no frequency).

NM_004341.5(CAD):c.5771A>G (p.Gln1924Arg)

Gene: CAD (carbamoyl-phosphate synthetase 2, aspartate transcarbamylase, and dihydroorotase; plus strand). Cytogenetic location: 2p23.3.
Variant type: single nucleotide variant.
Coding change: c.5771A>G on transcript NM_004341.5 (MANE Select); coding-DNA position 5771, A replaced by G.
Protein change: p.Gln1924Arg; replaces glutamine 1924 with arginine.
Molecular consequence: missense variant.
Genome position (GRCh38, 1-based): chr2:27,241,190, A>G. VCF-style: chr2-27241190-A-G. GRCh37 (hg19) VCF-style: chr2-27464058-A-G.
Other names: c.5582A>G, p.Gln1861Arg (NM_001306079.2); short protein forms Q1924R, Q1861R.
Identifiers: ClinVar variation 1514201 (VCV001514201.6), dbSNP rs2148096223, ClinGen allele CA346223568.